The following is an entry in ClinVar:

ClinVar aggregate classification (germline): Conflicting classifications of pathogenicity. Review status: criteria provided, conflicting classifications (1 of 4 stars). 2 submissions from 2 submitters: Uncertain significance (1); Likely benign (1). Last evaluated 2026-07-27.

Conditions:
MAF-related disorder. Also called: MAF-related condition.

Submissions (2):

PreventionGenetics, part of Exact Sciences
Classification: Uncertain significance for MAF-related condition. Last evaluated: 2026-07-27. Review status: criteria provided, single submitter. Criteria: ACMG Guidelines, 2015. Collection method: clinical testing. Allele origin: germline.
Comment: The MAF c.687_701del15 variant is predicted to result in an in-frame deletion (p.Gly234_Gly238del). To our knowledge, this variant has not been reported in the literature. This variant is absent in a large population database (gnomAD), indicating this variant is rare. At this time, the clinical significance of this variant is uncertain due to the absence of conclusive functional and genetic evidence.

Women's Health and Genetics/Laboratory Corporation of America, LabCorp
Classification: Likely benign. Last evaluated: 2026-02-17. Review status: criteria provided, single submitter. Criteria: LabCorp Variant Classification Summary - May 2015. Collection method: clinical testing. Allele origin: germline.
Comment: Variant summary: MAF c.687_701del15 (p.Gly234_Gly238del) results in an in-frame deletion that is predicted to remove five amino acids from the encoded protein. MAF p.Gly234_Gly238del was found at a frequency of 0.0019 in 24156 control chromosomes. The observed variant frequency exceeds the estimated maximal expected allele frequency for disease-causing variants in MAF. To our knowledge, no occurrence of c.687_701del15 in individuals affected with MAF-related conditions and no experimental evidence demonstrating its impact on protein function have been reported. No submitters have cited clinical-significance assessments for this variant to ClinVar. Based on the evidence outlined above, the variant was classified as likely benign.

NM_005360.5(MAF):c.678CGG[3] (p.Gly234_Gly238del)

Gene: MAF (MAF bZIP transcription factor; minus strand). Cytogenetic location: 16q23.2.
Variant type: Microsatellite.
Coding change: c.678CGG[3] on transcript NM_005360.5 (MANE Select); three copies in a row of the 3-base unit CGG starting at c.678; the reference has eight copies in a row; five copies, 15 bases deleted.
Protein change: p.Gly234_Gly238del.
Genome position (GRCh38, 1-based): chr16:79,599,202-79,599,216, CCGCCGCCGCCGCCG deleted on the plus strand (CGGCGGCGGCGGCGG on the coding strand, the reverse complement: MAF is on the minus strand); deleting any 15 consecutive bases within chr16:79,599,202-79,599,227 gives the same sequence; the position shown is the placement nearest the transcript's 3' end. VCF-style (leftmost placement, unchanged base first): chr16-79599201-TCCGCCGCCGCCGCCG-T. GRCh37 (hg19) VCF-style: chr16-79633098-TCCGCCGCCGCCGCCG-T.
Other names: c.687_701del15 (NM_005360.5, NM_005360.4); c.678CGG[3], p.Gly234_Gly238del (NM_001031804.3).
Identifiers: ClinVar variation 4848278 (VCV004848278.2).